The following is an entry in ClinVar:

NM_001458.5(FLNC):c.2130C>T (p.Asp710=)

Genes: FLNC (filamin C; plus strand), LOC129999273 (ATAC-STARR-seq lymphoblastoid silent region 18616; plus strand). Cytogenetic location: 7q32.1.
Variant type: single nucleotide variant.
Coding change: c.2130C>T on transcript NM_001458.5 (MANE Select); coding-DNA position 2130, C replaced by T.
Protein change: p.Asp710=; no amino-acid change (aspartic acid 710 retained).
Molecular consequence: synonymous variant.
Genome position (GRCh38, 1-based): chr7:128,842,239, C>T. VCF-style: chr7-128842239-C-T. GRCh37 (hg19) VCF-style: chr7-128482293-C-T.
Other names: c.2130C>T, p.Asp710= (NM_001127487.2).
Identifiers: ClinVar variation 289074 (VCV000289074.23), dbSNP rs778781499, ClinGen allele CA4474612.

ClinVar aggregate classification (germline): Conflicting classifications of pathogenicity. Review status: criteria provided, conflicting classifications (1 of 4 stars). 5 submissions from 5 submitters: Uncertain significance (1); Likely benign (3). 1 of the submissions does not count toward it. Last evaluated 2026-02-04.

Conditions:
FLNC-related disorder. Also called: FLNC-related disorders; FLNC-related condition.
Distal myopathy with posterior leg and anterior hand involvement. Also called: WILLIAMS DISTAL MYOPATHY. Identifiers: Orphanet 63273, MedGen C3279722, MONDO:0013550, OMIM 614065.
Myofibrillar myopathy 5. Also called: Filaminopathy (type); FILAMINOPATHY, AUTOSOMAL DOMINANT. Identifiers: Orphanet 171445, MedGen C1836050, MONDO:0012289, OMIM 609524.
Hypertrophic cardiomyopathy 26. Also called: Cardiomyopathy, familial hypertrophic, 26. Identifiers: Orphanet 75249, MedGen C4310749, MONDO:0014883, OMIM 617047.
Cardiovascular phenotype. Identifiers: MedGen CN230736.

Allele frequency attached by ClinVar (database versions not stated): ExAC 0.00003; gnomAD 0.00003; gnomAD exomes 0.00005 and 0.00008; TOPMed 0.00006.
gnomAD v4.1: 124 of 1,613,526 alleles (0.0077%); highest among the groups gnomAD compares: Non-Finnish European, 0.0094%; no homozygotes.

Submissions (5):

Labcorp Genetics (formerly Invitae), Labcorp
Classification: Likely benign for Distal myopathy with posterior leg and anterior hand involvement; Myofibrillar myopathy 5; Hypertrophic cardiomyopathy 26. Last evaluated: 2026-02-04. Review status: criteria provided, single submitter. Criteria: Invitae Variant Classification Sherloc (09022015). Collection method: clinical testing. Allele origin: germline.

Ambry Genetics
Classification: Likely benign for Cardiovascular phenotype. Last evaluated: 2022-04-25. Review status: criteria provided, single submitter. Criteria: Ambry Variant Classification Scheme 2023. Collection method: clinical testing. Allele origin: germline.

GeneDx
Classification: Likely benign. Last evaluated: 2019-04-29. Review status: criteria provided, single submitter. Criteria: GeneDx Variant Classification Process June 2021. Collection method: clinical testing. Allele origin: germline. Affected: yes.

Eurofins Ntd Llc (ga)
Classification: Uncertain significance. Last evaluated: 2016-07-13. Review status: criteria provided, single submitter. Criteria: EGL Classification Definitions 2015. Collection method: clinical testing. Allele origin: germline. Observed: 1 variant allele, 1 heterozygote.

PreventionGenetics, part of Exact Sciences
Classification: Likely benign for FLNC-related condition. Last evaluated: 2019-04-12. Review status: no assertion criteria provided. Collection method: clinical testing. Allele origin: germline. Not counted in ClinVar's aggregate classification.
Comment: This variant is classified as likely benign based on ACMG/AMP sequence variant interpretation guidelines (Richards et al. 2015 PMID: 25741868, with internal and published modifications).